The following is an entry in ClinVar:

NM_178857.6(RP1L1):c.3569C>T (p.Thr1190Met)

Gene: RP1L1 (RP1 like 1). Cytogenetic location: 8p23.1.
Variant type: single nucleotide variant.
Coding change: c.3569C>T on transcript NM_178857.6 (MANE Select); coding-DNA position 3569, C replaced by T.
Protein change: p.Thr1190Met; replaces threonine 1190 with methionine.
Molecular consequence: missense variant.
Genome position (GRCh38, 1-based): chr8:10,610,529, G>A on the plus strand (C>T on the coding strand, the complement: RP1L1 is on the minus strand). VCF-style: chr8-10610529-G-A. GRCh37 (hg19) VCF-style: chr8-10468039-G-A.
Other names: short protein forms T1190M.
Identifiers: ClinVar variation 911259 (VCV000911259.7), dbSNP rs200415537, ClinGen allele CA4624446.

ClinVar aggregate classification (germline): Conflicting classifications of pathogenicity. Review status: criteria provided, conflicting classifications (1 of 4 stars). 4 submissions from 4 submitters: Uncertain significance (3); Benign (1). Last evaluated 2026-02-25.

Conditions:
RP1L1-related disorder. Also called: RP1L1-related condition.
Inborn genetic diseases. Identifiers: MedGen C0950123, MeSH D030342.
Occult macular dystrophy (OCMD). Also called: OCCULT MACULAR DYSTROPHY, SUSCEPTIBILITY TO; OMD. Identifiers: Orphanet 247834, MedGen C3150833, MONDO:0013316, OMIM 613587, HP:0030636.

Allele frequency attached by ClinVar (database versions not stated): gnomAD 0.00011; TOPMed 0.00011; ExAC 0.00013; gnomAD exomes 0.00014.
gnomAD v4.1: 258 of 1,613,632 alleles (0.016%); highest among the groups gnomAD compares: Admixed American, 0.022%; no homozygotes.

Submissions (4):

PreventionGenetics, part of Exact Sciences
Classification: Uncertain significance for RP1L1-related condition. Last evaluated: 2026-02-25. Review status: criteria provided, single submitter. Criteria: ACMG Guidelines, 2015. Collection method: clinical testing. Allele origin: germline.
Comment: The RP1L1 c.3569C>T variant is predicted to result in the amino acid substitution p.Thr1190Met. To our knowledge, this variant has not been reported in the literature. This variant is reported in 0.025% of alleles in individuals of Latino descent in gnomAD. At this time, the clinical significance of this variant is uncertain due to the absence of conclusive functional and genetic evidence.

Ambry Genetics
Classification: Uncertain significance for Inborn genetic diseases. Last evaluated: 2025-05-06. Review status: criteria provided, single submitter. Criteria: Ambry Variant Classification Scheme 2023. Collection method: clinical testing. Allele origin: germline.

Blueprint Genetics
Classification: Uncertain significance. Last evaluated: 2024-01-12. Review status: criteria provided, single submitter. Criteria: ACMG Guidelines, 2015. Collection method: clinical testing. Allele origin: germline.

Illumina Laboratory Services, Illumina
Classification: Benign for Occult macular dystrophy. Last evaluated: 2018-01-13. Review status: criteria provided, single submitter. Criteria: ICSL Variant Classification Criteria 13 December 2019. Collection method: clinical testing. Allele origin: germline.
Comment: This variant was observed in the ICSL laboratory as part of a predisposition screen in an ostensibly healthy population. It had not been previously curated by ICSL or reported in the Human Gene Mutation Database (HGMD: prior to June 1st, 2018), and was therefore a candidate for classification through an automated scoring system. Utilizing variant allele frequency, disease prevalence and penetrance estimates, and inheritance mode, an automated score was calculated to assess if this variant is too frequent to cause the disease. Based on the score and internal cut-off values, a variant classified as benign is not then subjected to further curation. The score for this variant resulted in a classification of benign for this disease.